The following is an entry in ClinVar:

ClinVar aggregate classification (germline): Uncertain significance (1 of 4 stars; one submission).

Allele frequency attached by ClinVar (database versions not stated): TOPMed below 0.00001; gnomAD 0.00001; gnomAD exomes 0.00001; ExAC 0.00003.
gnomAD v4.1: 22 of 1,614,060 alleles (0.0014%); highest among the groups gnomAD compares: South Asian, 0.012%; no homozygotes.

Submission:

Labcorp Genetics (formerly Invitae), Labcorp
Classification: Uncertain significance. Last evaluated: 2025-08-18. Review status: criteria provided, single submitter. Criteria: Invitae Variant Classification Sherloc (09022015). Collection method: clinical testing. Allele origin: germline.
Comment: This sequence change affects codon 588 of the ACAD9 mRNA. It is a 'silent' change, meaning that it does not change the encoded amino acid sequence of the ACAD9 protein. It affects a nucleotide within the consensus splice site. This variant is present in population databases (rs765657785, gnomAD 0.02%). This variant has not been reported in the literature in individuals affected with ACAD9-related conditions. ClinVar contains an entry for this variant (Variation ID: 2425481). Algorithms developed to predict the effect of sequence changes on RNA splicing suggest that this variant is not likely to affect RNA splicing. In summary, the available evidence is currently insufficient to determine the role of this variant in disease. Therefore, it has been classified as a Variant of Uncertain Significance.

NM_014049.5(ACAD9):c.1764G>A (p.Lys588=)

Genes: ACAD9 (acyl-CoA dehydrogenase family member 9; plus strand), CFAP92 (cilia and flagella associated protein 92 (putative); minus strand). Cytogenetic location: 3q21.3.
Variant type: single nucleotide variant.
Coding change: c.1764G>A on transcript NM_014049.5 (MANE Select); coding-DNA position 1764, G replaced by A.
Protein change: p.Lys588=; no amino-acid change (lysine 588 retained).
Molecular consequence: synonymous variant. On other transcripts: non-coding transcript variant (1), intron variant (3).
Genome position (GRCh38, 1-based): chr3:128,910,812, G>A. VCF-style: chr3-128910812-G-A. GRCh37 (hg19) VCF-style: chr3-128629655-G-A.
Other names: c.1395G>A, p.Lys465= (NM_001410805.1); c.2312-479C>T (NM_001348521.2); c.2408-479C>T (NM_001348520.2); c.3281-479C>T (NM_001394090.1).
Identifiers: ClinVar variation 2425481 (VCV002425481.5), dbSNP rs765657785, ClinGen allele CA2601692.